The following is an entry in ClinVar:

NM_020207.7(ERCC6L2):c.980C>A (p.Thr327Asn)

Gene: ERCC6L2 (ERCC excision repair 6 like 2; plus strand). Cytogenetic location: 9q22.32.
Variant type: single nucleotide variant.
Coding change: c.980C>A on transcript NM_020207.7 (MANE Select); coding-DNA position 980, C replaced by A.
Protein change: p.Thr327Asn; replaces threonine 327 with asparagine.
Molecular consequence: missense variant. On other transcripts: non-coding transcript variant (1).
Genome position (GRCh38, 1-based): chr9:95,916,256, C>A. VCF-style: chr9-95916256-C-A. GRCh37 (hg19) VCF-style: chr9-98678538-C-A.
Other names: c.980C>A, p.Thr327Asn (NM_001010895.4, NM_001375291.1, NM_001375292.1 and 2 more transcripts); short protein forms T327N.
Identifiers: ClinVar variation 4844049 (VCV004844049.1).

ClinVar aggregate classification (germline): Uncertain significance (1 of 4 stars; one submission).

Conditions:
Inborn genetic diseases. Identifiers: MedGen C0950123, MeSH D030342.

Submission:

Ambry Genetics
Classification: Uncertain significance for Inborn genetic diseases. Last evaluated: 2025-12-27. Review status: criteria provided, single submitter. Criteria: Ambry Variant Classification Scheme 2023. Collection method: clinical testing. Allele origin: germline.
Comment: The p.T327N variant (also known as c.980C>A), located in coding exon 6 of the ERCC6L2 gene, results from a C to A substitution at nucleotide position 980. The threonine at codon 327 is replaced by asparagine, an amino acid with similar properties. This amino acid position is conserved. In addition, this alteration is predicted to be tolerated by in silico analysis. Based on the available evidence, the clinical significance of this variant remains unclear.